The following is an entry in ClinVar:

NM_000548.5(TSC2):c.3996C>T (p.Ala1332=)

Gene: TSC2 (TSC complex subunit 2; plus strand). Cytogenetic location: 16p13.3.
Variant type: single nucleotide variant.
Coding change: c.3996C>T on transcript NM_000548.5 (MANE Select); coding-DNA position 3996, C replaced by T.
Protein change: p.Ala1332=; no amino-acid change (alanine 1332 retained).
Molecular consequence: synonymous variant.
Genome position (GRCh38, 1-based): chr16:2,083,807, C>T. VCF-style: chr16-2083807-C-T. GRCh37 (hg19) VCF-style: chr16-2133808-C-T.
Other names: c.3795C>T, p.Ala1265= (NM_001077183.3); c.3927C>T, p.Ala1309= (NM_001114382.3); c.3687C>T, p.Ala1229= (NM_001318827.2); c.3651C>T, p.Ala1217= (NM_001318829.2); c.3264C>T, p.Ala1088= (NM_001318831.2); c.3828C>T, p.Ala1276= (NM_001318832.2); c.3798C>T, p.Ala1266= (NM_001363528.2); c.3864C>T, p.Ala1288= (NM_001370404.1); and 1 more.
Identifiers: ClinVar variation 700813 (VCV000700813.58), dbSNP rs1421997373, ClinGen allele CA492956882.

ClinVar aggregate classification (germline): Benign/Likely benign. Review status: criteria provided, multiple submitters, no conflicts (2 of 4 stars). 7 submissions from 7 submitters: Benign (3); Likely benign (4). Last evaluated 2025-07-31.

Conditions:
Tuberous sclerosis 2 (TSC2). Identifiers: Orphanet 805, MedGen C1860707, MONDO:0013199, OMIM 613254.
Hereditary cancer-predisposing syndrome. Also called: Neoplastic Syndromes, Hereditary; Tumor predisposition; Hereditary neoplastic syndrome; Hereditary Cancer Syndrome. Identifiers: Orphanet 140162, MedGen C0027672, MeSH D009386, MONDO:0015356.
Tuberous sclerosis syndrome (TSC). Also called: Tuberous Sclerosis Complex; Tuberous sclerosis. Identifiers: Orphanet 805, MedGen C0041341, MONDO:0001734.

Allele frequency attached by ClinVar (database versions not stated): gnomAD exomes 0.00001; TOPMed 0.00001.
gnomAD v4.1: 12 of 1,611,156 alleles (0.00074%); highest among the groups gnomAD compares: Non-Finnish European, 0.001%; no homozygotes.

Submissions (7):

Labcorp Genetics (formerly Invitae), Labcorp
Classification: Benign for Tuberous sclerosis 2. Last evaluated: 2025-07-31. Review status: criteria provided, single submitter. Criteria: Invitae Variant Classification Sherloc (09022015). Collection method: clinical testing. Allele origin: germline.

Myriad Genetics, Inc.
Classification: Benign for Tuberous sclerosis 2. Last evaluated: 2025-06-02. Review status: criteria provided, single submitter. Criteria: Myriad Autosomal Dominant, Autosomal Recessive and X-Linked Classification Criteria (2023). Collection method: clinical testing. Allele origin: unknown.
Comment: This variant is considered benign. This variant is a silent/synonymous amino acid change and it is not expected to impact splicing.

All of Us Research Program, National Institutes of Health
Classification: Likely benign for Tuberous sclerosis syndrome. Last evaluated: 2023-12-01. Review status: criteria provided, single submitter. Criteria: ACMG Guidelines, 2015. Collection method: clinical testing. Allele origin: germline. Inheritance: Autosomal dominant inheritance. Observed: 4 variant alleles, 4 heterozygotes.
Comment: This study involves interpretation of variants in research participants for the purpose of population health screening. Participant phenotype was not available at the time of variant classification. Additional details can be found in publication PMID: 35346344, PMCID: PMC8962531

Color Diagnostics, LLC DBA Color Health
Classification: Likely benign for Tuberous sclerosis syndrome. Last evaluated: 2022-10-05. Review status: criteria provided, single submitter. Criteria: ACMG Guidelines, 2015. Collection method: clinical testing. Allele origin: germline.

Genome-Nilou Lab
Classification: Benign for Tuberous sclerosis 2. Last evaluated: 2021-11-07. Review status: criteria provided, single submitter. Criteria: ACMG Guidelines, 2015. Collection method: clinical testing. Allele origin: germline. Affected: no.

CeGaT Center for Human Genetics Tuebingen
Classification: Likely benign. Last evaluated: 2020-03-01. Review status: criteria provided, single submitter. Criteria: CeGaT Center For Human Genetics Tuebingen Variant Classification Criteria Version 2. Collection method: clinical testing. Allele origin: germline. Affected: yes. Observed: 2 variant alleles.

Ambry Genetics
Classification: Likely benign for Hereditary cancer-predisposing syndrome. Last evaluated: 2019-01-16. Review status: criteria provided, single submitter. Criteria: Ambry Variant Classification Scheme 2023. Collection method: clinical testing. Allele origin: germline.